The following is an entry in ClinVar:

ClinVar aggregate classification (germline): Conflicting classifications of pathogenicity. Review status: criteria provided, conflicting classifications (1 of 4 stars). 2 submissions from 2 submitters: Likely pathogenic (1); Uncertain significance (1). Last evaluated 2026-10-19.

Conditions:
RYR1-related disorder. Also called: RYR1-related condition; RYR1-related disorders. Identifiers: MedGen CN239331.

gnomAD v4.1: 1 of 1,614,030 alleles (0.000062%); highest among the groups gnomAD compares: Non-Finnish European, 0.000085%; no homozygotes.

Submissions (2):

GeneDx
Classification: Likely pathogenic. Last evaluated: 2026-10-19. Review status: criteria provided, single submitter. Criteria: GeneDx Variant Classification Process June 2021. Collection method: clinical testing. Allele origin: germline.
Comment: Not observed at significant frequency in large population cohorts (gnomAD); In silico analysis supports that this missense variant has a deleterious effect on protein structure/function; Has not been previously published as pathogenic or benign to our knowledge

Labcorp Genetics (formerly Invitae), Labcorp
Classification: Uncertain significance for RYR1-related disorder. Last evaluated: 2023-10-22. Review status: criteria provided, single submitter. Criteria: Invitae Variant Classification Sherloc (09022015). Collection method: clinical testing. Allele origin: germline.
Comment: This sequence change replaces lysine, which is basic and polar, with asparagine, which is neutral and polar, at codon 3516 of the RYR1 protein (p.Lys3516Asn). This variant is not present in population databases (gnomAD no frequency). This variant has not been reported in the literature in individuals affected with RYR1-related conditions. Advanced modeling of protein sequence and biophysical properties (such as structural, functional, and spatial information, amino acid conservation, physicochemical variation, residue mobility, and thermodynamic stability) performed at Invitae indicates that this missense variant is expected to disrupt RYR1 protein function. In summary, the available evidence is currently insufficient to determine the role of this variant in disease. Therefore, it has been classified as a Variant of Uncertain Significance.

NM_000540.3(RYR1):c.10548G>T (p.Lys3516Asn)

Gene: RYR1 (ryanodine receptor 1; plus strand). Cytogenetic location: 19q13.2.
Variant type: single nucleotide variant.
Coding change: c.10548G>T on transcript NM_000540.3 (MANE Select); coding-DNA position 10548, G replaced by T.
Protein change: p.Lys3516Asn; replaces lysine 3516 with asparagine.
Molecular consequence: missense variant.
Genome position (GRCh38, 1-based): chr19:38,525,424, G>T. VCF-style: chr19-38525424-G-T. GRCh37 (hg19) VCF-style: chr19-39016064-G-T.
Other names: c.10533G>T, p.Lys3511Asn (NM_001042723.2); short protein forms K3511N, K3516N.
Identifiers: ClinVar variation 2759569 (VCV002759569.6), dbSNP rs754753605, ClinGen allele CA405643685.
Genomic context (GRCh38, chr19:38,525,424, plus strand): 5'-GAAGCGCCGGGGGGACCGGTACTCTGTGCAGACGTCACTGATCGTGGCCACACTGAAGAA[G>T]ATGCTGCCCATCGGCCTGAATATGTGTGCGCCCACCGACCAAGACCTCATCACGCTGGCC-3'
Protein context (NP_000531.2, residues 3506-3526): QTSLIVATLK[Lys3516Asn]MLPIGLNMCA